The following is an entry in ClinVar:

NM_003062.4(SLIT3):c.1039G>T (p.Ala347Ser)

Gene: SLIT3 (slit guidance ligand 3; minus strand). Cytogenetic location: 5q34.
Variant type: single nucleotide variant.
Coding change: c.1039G>T on transcript NM_003062.4 (MANE Select); coding-DNA position 1039, G replaced by T.
Protein change: p.Ala347Ser; replaces alanine 347 with serine.
Molecular consequence: missense variant.
Genome position (GRCh38, 1-based): chr5:168,789,600, C>A on the plus strand (G>T on the coding strand, the complement: SLIT3 is on the minus strand). VCF-style: chr5-168789600-C-A. GRCh37 (hg19) VCF-style: chr5-168216605-C-A.
Other names: c.1039G>T, p.Ala347Ser (NM_001271946.2); short protein forms A347S.
Identifiers: ClinVar variation 3348691 (VCV003348691.1).

ClinVar aggregate classification (germline): Uncertain significance (0 of 4 stars; one submission).

Conditions:
SLIT3-related disorder. Also called: SLIT3-related condition.

Submission:

PreventionGenetics, part of Exact Sciences
Classification: Uncertain significance for SLIT3-related condition. Last evaluated: 2024-03-06. Review status: no assertion criteria provided. Collection method: clinical testing. Allele origin: germline.
Comment: The SLIT3 c.1039G>T variant is predicted to result in the amino acid substitution p.Ala347Ser. To our knowledge, this variant has not been reported in the literature or in a large population database, indicating this variant is rare. At this time, the clinical significance of this variant is uncertain due to the absence of conclusive functional and genetic evidence.